The following is an entry in ClinVar:

ClinVar aggregate classification (germline): Uncertain significance (1 of 4 stars; one submission).

Conditions:
Adams-Oliver syndrome 5 (AOS5). Identifiers: Orphanet 974, MedGen C4014970, MONDO:0014459, OMIM 616028.

Allele frequency attached by ClinVar (database versions not stated): gnomAD exomes below 0.00001.
gnomAD v4.1: 2 of 1,612,930 alleles (0.00012%); highest among the groups gnomAD compares: Non-Finnish European, 0.00017%; no homozygotes.

Submission:

Labcorp Genetics (formerly Invitae), Labcorp
Classification: Uncertain significance for Adams-Oliver syndrome 5. Last evaluated: 2024-04-25. Review status: criteria provided, single submitter. Criteria: Invitae Variant Classification Sherloc (09022015). Collection method: clinical testing. Allele origin: germline.
Comment: This sequence change replaces asparagine, which is neutral and polar, with serine, which is neutral and polar, at codon 277 of the NOTCH1 protein (p.Asn277Ser). This variant is not present in population databases (gnomAD no frequency). This variant has not been reported in the literature in individuals affected with NOTCH1-related conditions. ClinVar contains an entry for this variant (Variation ID: 2139927). Advanced modeling of protein sequence and biophysical properties (such as structural, functional, and spatial information, amino acid conservation, physicochemical variation, residue mobility, and thermodynamic stability) performed at Invitae indicates that this missense variant is not expected to disrupt NOTCH1 protein function with a negative predictive value of 95%. In summary, the available evidence is currently insufficient to determine the role of this variant in disease. Therefore, it has been classified as a Variant of Uncertain Significance.

NM_017617.5(NOTCH1):c.830A>G (p.Asn277Ser)

Gene: NOTCH1 (notch receptor 1; minus strand). Cytogenetic location: 9q34.3.
Variant type: single nucleotide variant.
Coding change: c.830A>G on transcript NM_017617.5 (MANE Select); coding-DNA position 830, A replaced by G.
Protein change: p.Asn277Ser; replaces asparagine 277 with serine.
Molecular consequence: missense variant.
Genome position (GRCh38, 1-based): chr9:136,519,478, T>C on the plus strand (A>G on the coding strand, the complement: NOTCH1 is on the minus strand). VCF-style: chr9-136519478-T-C. GRCh37 (hg19) VCF-style: chr9-139413930-T-C.
Other names: short protein forms N277S.
Identifiers: ClinVar variation 2139927 (VCV002139927.4), dbSNP rs2540463642, ClinGen allele CA375566323.